The following is an entry in ClinVar:

ClinVar aggregate classification (germline): Benign. Review status: criteria provided, single submitter (1 of 4 stars). 2 submissions from 2 submitters: Benign (1). 1 of the submissions does not count toward it. Last evaluated 2026-02-01.

Conditions:
APC2-related disorder. Also called: APC2-Related Disorders; APC2-related condition.

Allele frequency attached by ClinVar (database versions not stated): 1000 Genomes Project 0.00359; 1000 Genomes Project 30x 0.00375; ESP Exome Variant Server 0.01345.

Submissions (2):

Labcorp Genetics (formerly Invitae), Labcorp
Classification: Benign. Last evaluated: 2026-02-01. Review status: criteria provided, single submitter. Criteria: Invitae Variant Classification Sherloc (09022015). Collection method: clinical testing. Allele origin: germline.

PreventionGenetics, part of Exact Sciences
Classification: Benign for APC2-related condition. Last evaluated: 2019-04-09. Review status: no assertion criteria provided. Collection method: clinical testing. Allele origin: germline. Not counted in ClinVar's aggregate classification.
Comment: This variant is classified as benign based on ACMG/AMP sequence variant interpretation guidelines (Richards et al. 2015 PMID: 25741868, with internal and published modifications).

NM_005883.3(APC2):c.687G>A (p.Ala229=)

Gene: APC2 (APC regulator of Wnt signaling pathway 2; plus strand). Cytogenetic location: 19p13.3.
Variant type: single nucleotide variant.
Coding change: c.687G>A on transcript NM_005883.3 (MANE Select); coding-DNA position 687, G replaced by A.
Protein change: p.Ala229=; no amino-acid change (alanine 229 retained).
Molecular consequence: synonymous variant.
Genome position (GRCh38, 1-based): chr19:1,456,123, G>A. VCF-style: chr19-1456123-G-A. GRCh37 (hg19) VCF-style: chr19-1456122-G-A.
Other names: c.684G>A, p.Ala228= (NM_001351273.1); c.687G>A (NM_005883.2).
Identifiers: ClinVar variation 2043996 (VCV002043996.6), dbSNP rs80142793, ClinGen allele CA9044838.